The following is an entry in ClinVar:

NM_004560.4(ROR2):c.153C>T (p.Asp51=)

Gene: ROR2 (ROR family WNT receptor 2; minus strand). Cytogenetic location: 9q22.31.
Variant type: single nucleotide variant.
Coding change: c.153C>T on transcript NM_004560.4 (MANE Select); coding-DNA position 153, C replaced by T.
Protein change: p.Asp51=; no amino-acid change (aspartic acid 51 retained).
Molecular consequence: synonymous variant.
Genome position (GRCh38, 1-based): chr9:91,775,763, G>A on the plus strand (C>T on the coding strand, the complement: ROR2 is on the minus strand). VCF-style: chr9-91775763-G-A. GRCh37 (hg19) VCF-style: chr9-94538045-G-A.
Other names: c.153C>T, p.Asp51= (NM_001318204.2).
Identifiers: ClinVar variation 367518 (VCV000367518.16), dbSNP rs572950289, ClinGen allele CA5121123.

ClinVar aggregate classification (germline): Conflicting classifications of pathogenicity. Review status: criteria provided, conflicting classifications (1 of 4 stars). 5 submissions from 4 submitters: Uncertain significance (1); Likely benign (3). 1 of the submissions does not count toward it. Last evaluated 2025-03-16.

Conditions:
Autosomal recessive Robinow syndrome (RRS1). Also called: ROR2-Related Robinow Syndrome; COSTOVERTEBRAL SEGMENTATION DEFECT WITH MESOMELIA; COVESDEM SYNDROME; ROBINOW SYNDROME, AUTOSOMAL RECESSIVE 1. Identifiers: Orphanet 1507, Orphanet 97360, MedGen C5399974, MONDO:0009999, OMIM 268310.
ROR2-related disorder. Also called: ROR2-related condition; ROR2-related disorders.
Brachydactyly type B1 (BDB1). Identifiers: Orphanet 572385, Orphanet 93383, MedGen C1862112, MONDO:0007220, OMIM 113000.

Allele frequency attached by ClinVar (database versions not stated): gnomAD 0.00004 and 0.00007; TOPMed 0.00006; ExAC 0.00007; gnomAD exomes 0.00008; 1000 Genomes Project 30x 0.00031; 1000 Genomes Project 0.00040.
gnomAD v4.1: 129 of 1,614,158 alleles (0.008%); highest among the groups gnomAD compares: South Asian, 0.029%; no homozygotes.

Submissions (5):

Labcorp Genetics (formerly Invitae), Labcorp
Classification: Likely benign. Last evaluated: 2025-03-16. Review status: criteria provided, single submitter. Criteria: Invitae Variant Classification Sherloc (09022015). Collection method: clinical testing. Allele origin: germline.

Blueprint Genetics
Classification: Likely benign. Last evaluated: 2024-10-28. Review status: criteria provided, single submitter. Criteria: ACMG Guidelines, 2015. Collection method: clinical testing. Allele origin: germline.

Illumina Laboratory Services, Illumina
Classification: Uncertain significance for Autosomal recessive Robinow syndrome. Last evaluated: 2018-01-12. Review status: criteria provided, single submitter. Criteria: ICSL Variant Classification Criteria 13 December 2019. Collection method: clinical testing. Allele origin: germline.

Illumina Laboratory Services, Illumina
Classification: Likely benign for Brachydactyly type B1. Last evaluated: 2018-01-12. Review status: criteria provided, single submitter. Criteria: ICSL Variant Classification Criteria 13 December 2019. Collection method: clinical testing. Allele origin: germline.
Comment: This variant was observed in the ICSL laboratory as part of a predisposition screen in an ostensibly healthy population. It had not been previously curated by ICSL or reported in the Human Gene Mutation Database (HGMD: prior to June 1st, 2018), and was therefore a candidate for classification through an automated scoring system. Utilizing variant allele frequency, disease prevalence and penetrance estimates, and inheritance mode, an automated score was calculated to assess if this variant is too frequent to cause the disease. Based on the score and internal cut-off values, a variant classified as likely benign is not then subjected to further curation. The score for this variant resulted in a classification of likely benign for this disease.

PreventionGenetics, part of Exact Sciences
Classification: Likely benign for ROR2-related condition. Last evaluated: 2020-12-18. Review status: no assertion criteria provided. Collection method: clinical testing. Allele origin: germline. Not counted in ClinVar's aggregate classification.
Comment: This variant is classified as likely benign based on ACMG/AMP sequence variant interpretation guidelines (Richards et al. 2015 PMID: 25741868, with internal and published modifications).